The following is an entry in ClinVar:

ClinVar aggregate classification (germline): Uncertain significance (1 of 4 stars; one submission).

Conditions:
Hereditary cancer-predisposing syndrome. Also called: Hereditary Cancer Syndrome; Hereditary neoplastic syndrome; Neoplastic Syndromes, Hereditary; Tumor predisposition. Identifiers: Orphanet 140162, MedGen C0027672, MeSH D009386, MONDO:0015356.

Submission:

Ambry Genetics
Classification: Uncertain significance for Hereditary cancer-predisposing syndrome. Last evaluated: 2026-09-08. Review status: criteria provided, single submitter. Criteria: Ambry Variant Classification Scheme 2023. Collection method: clinical testing. Allele origin: germline.
Comment: The p.A658V variant (also known as c.1973C>T), located in coding exon 20 of the RB1 gene, results from a C to T substitution at nucleotide position 1973. The alanine at codon 658 is replaced by valine, an amino acid with similar properties. This amino acid position is highly conserved in available vertebrate species. In addition, this alteration is predicted to be deleterious by in silico analysis. Based on the available evidence, the clinical significance of this variant remains unclear.

NM_000321.3(RB1):c.1973C>T (p.Ala658Val)

Gene: RB1 (RB transcriptional corepressor 1; plus strand). Cytogenetic location: 13q14.2.
Variant type: single nucleotide variant.
Coding change: c.1973C>T on transcript NM_000321.3 (MANE Select); coding-DNA position 1973, C replaced by T.
Protein change: p.Ala658Val; replaces alanine 658 with valine.
Molecular consequence: missense variant.
Genome position (GRCh38, 1-based): chr13:48,459,700, C>T. VCF-style: chr13-48459700-C-T. GRCh37 (hg19) VCF-style: chr13-49033836-C-T.
Other names: c.1973C>T, p.Ala658Val (NM_001407165.1); short protein forms A658V.
Identifiers: ClinVar variation 1783663 (VCV001783663.3), dbSNP rs587778834, ClinGen allele CA033500.